The following is an entry in ClinVar:

NC_012920.1(MT-TS1):m.7445A>T

Genes: MT-CO1 (mitochondrially encoded cytochrome c oxidase I; plus strand), MT-TS1 (mitochondrially encoded tRNA serine 1 (UCN); minus strand).
Variant type: single nucleotide variant.
Genome position: chrM-7445-A-T.
Other names: *514S.
Identifiers: ClinVar variation 631469 (VCV000631469.4), dbSNP rs199474818, ClinGen allele CA414792846.
Genomic context (GRCh38, chrMT:7,445, plus strand): 5'-ACTATATGGATGCCCCCCACCCTACCACACATTCGAAGAACCCGTATACATAAAATCTAG[A>T]CAAAAAAGGAAGGAATCGAACCCCCCAAAGCTGGTTTCAAGCCAACCCCATGGCCTCCAT-3'

ClinVar aggregate classification (germline): Uncertain significance. Review status: reviewed by expert panel (3 of 4 stars). 3 submissions from 3 submitters: Uncertain significance (1). 2 of the submissions do not count toward it. Last evaluated 2024-07-08.

Conditions:
Mitochondrial disease. Also called: Mitochondrial disorder; Mitochondrial disorders. Identifiers: Orphanet 68380, MedGen C0751651, MeSH D028361, MONDO:0044970.
Mitochondrial non-syndromic sensorineural hearing loss. Also called: Nonsyndromic Hearing Loss and Deafness, Mitochondrial. Identifiers: Orphanet 90641, MedGen C3151897, MONDO:0010779, OMIM 500008.

Submissions (3):

ClinGen Mitochondrial Disease Nuclear and Mitochondrial  Variant Curation Expert Panel, ClinGen
Classification: Uncertain significance for Mitochondrial disease. Last evaluated: 2024-07-08. Review status: reviewed by expert panel. Criteria: clingen mito disease acmg specifications v1-1. Collection method: curation. Allele origin: germline. Inheritance: Mitochondrial inheritance.
Comment: The m.7445A>T (p.*514S) variant in MT-CO1 has been reported in one individual with primary mitochondrial disease to date (PMID: 18639500). There was no known precipitating event. The variant was homoplasmic in blood. This variant is present in population databases (Mitomap's 51,863 sequences: AF=0.049%; Helix's 196,554 sequences: AF=0.002%; gnomAD v3.1.2: absent). There are no in-silico prediction tools for a stop-loss variant in mitochondrial DNA, although this variant would not be expected to cause run-through due to the excision of the tRNA immediately adjacent. Another variant at this position has been classified as pathogenic – m.7445A>G (PM5_supporting). In summary, this variant meets criteria to be classified as uncertain significance for primary mitochondrial disease inherited in a mitochondrial manner. This classification was approved by the NICHD/NINDS U24 ClinGen Mitochondrial Disease Variant Curation Expert Panel on July 8, 2024. Mitochondrial DNA-specific ACMG/AMP criteria applied (PMID: 32906214): PM5_supporting.

Mendelics
Classification: Pathogenic for Mitochondrial non-syndromic sensorineural hearing loss. Last evaluated: 2022-05-04. Review status: criteria provided, single submitter. Criteria: Mendelics Assertion Criteria 2019. Collection method: clinical testing. Allele origin: germline. Not counted in ClinVar's aggregate classification.

GeneReviews
No classification provided. Condition: Mitochondrial non-syndromic sensorineural hearing loss. Review status: no classification provided. Collection method: literature only. Allele origin: maternal. Not counted in ClinVar's aggregate classification.

Literature cited by the submitters: PubMed 10577941 (cited by GeneReviews); PubMed 17659260 (cited by GeneReviews); PubMed 18639500 (cited by GeneReviews); PubMed 20301595 (cited by GeneReviews).